The following is an entry in ClinVar:

NM_031263.4(HNRNPK):c.10G>A (p.Glu4Lys)

Gene: HNRNPK (heterogeneous nuclear ribonucleoprotein K; minus strand). Cytogenetic location: 9q21.32.
Variant type: single nucleotide variant.
Coding change: c.10G>A on transcript NM_031263.4 (MANE Select); coding-DNA position 10, G replaced by A.
Protein change: p.Glu4Lys; replaces glutamic acid 4 with lysine.
Molecular consequence: missense variant.
Genome position (GRCh38, 1-based): chr9:83,978,243, C>T on the plus strand (G>A on the coding strand, the complement: HNRNPK is on the minus strand). VCF-style: chr9-83978243-C-T. GRCh37 (hg19) VCF-style: chr9-86593158-C-T.
Other names: c.10G>A, p.Glu4Lys (NM_001318186.2, NM_001318187.2, NM_001318188.2 and 2 more transcripts); short protein forms E4K.
Identifiers: ClinVar variation 2013351 (VCV002013351.4), dbSNP rs2492027500, ClinGen allele CA373932603.

ClinVar aggregate classification (germline): Uncertain significance (1 of 4 stars; one submission).

Submission:

Labcorp Genetics (formerly Invitae), Labcorp
Classification: Uncertain significance. Last evaluated: 2025-06-20. Review status: criteria provided, single submitter. Criteria: Invitae Variant Classification Sherloc (09022015). Collection method: clinical testing. Allele origin: germline.
Comment: This sequence change replaces glutamic acid, which is acidic and polar, with lysine, which is basic and polar, at codon 4 of the HNRNPK protein (p.Glu4Lys). This variant is not present in population databases (gnomAD no frequency). This variant has not been reported in the literature in individuals affected with HNRNPK-related conditions. ClinVar contains an entry for this variant (Variation ID: 2013351). An algorithm developed to predict the effect of missense changes on protein structure and function (PolyPhen-2) suggests that this variant is likely to be disruptive. In summary, the available evidence is currently insufficient to determine the role of this variant in disease. Therefore, it has been classified as a Variant of Uncertain Significance.